The following is an entry in ClinVar:

ClinVar aggregate classification (germline): Uncertain significance. Review status: criteria provided, multiple submitters, no conflicts (2 of 4 stars). 3 submissions from 3 submitters: Uncertain significance (3). Last evaluated 2025-09-24.

Conditions:
Dilated cardiomyopathy 1G (CMD1G). Identifiers: Orphanet 154, MedGen C1858763, MONDO:0011400, OMIM 604145.
Autosomal recessive limb-girdle muscular dystrophy type 2J (LGMDR10). Also called: MUSCULAR DYSTROPHY, LIMB-GIRDLE, AUTOSOMAL RECESSIVE 10; Limb-girdle muscular dystrophy, type 2J. Identifiers: Orphanet 140922, MedGen C1837342, MONDO:0012127, OMIM 608807.
Myopathy, myofibrillar, 9, with early respiratory failure (MFM9). Also called: EDSTROM MYOPATHY; MYOPATHY, PROXIMAL, WITH EARLY RESPIRATORY MUSCLE INVOLVEMENT; Myopathy, distal, with early respiratory failure, autosomal dominant; Hereditary myopathy with early respiratory failure. Identifiers: Orphanet 178464, Orphanet 34521, MedGen C1863599, MONDO:0011362, OMIM 603689.
Early-onset myopathy with fatal cardiomyopathy (CMYO5). Also called: CONGENITAL MYOPATHY 5 WITH CARDIOMYOPATHY; Salih Myopathy. Identifiers: Orphanet 289377, MedGen C2673677, MONDO:0012714, OMIM 611705. Disease mechanism: loss of function.
Hypertrophic cardiomyopathy 9. Also called: Familial hypertrophic cardiomyopathy 9. Identifiers: MedGen C1861065, MONDO:0013412, OMIM 613765.
Tibial muscular dystrophy (TMD). Also called: UDD MYOPATHY; Tibial muscular dystrophy, tardive; Udd Distal Myopathy – Tibial Muscular Dystrophy. Identifiers: Orphanet 609, MedGen C1838244, MONDO:0010870, OMIM 600334.

Allele frequency attached by ClinVar (database versions not stated): gnomAD exomes below 0.00001; ExAC 0.00001; gnomAD 0.00001.
gnomAD v4.1: 5 of 1,613,802 alleles (0.00031%); highest among the groups gnomAD compares: Non-Finnish European, 0.00042%; no homozygotes.

Submissions (3):

Labcorp Genetics (formerly Invitae), Labcorp
Classification: Uncertain significance for Dilated cardiomyopathy 1G; Autosomal recessive limb-girdle muscular dystrophy type 2J. Last evaluated: 2025-09-24. Review status: criteria provided, single submitter. Criteria: Invitae Variant Classification Sherloc (09022015). Collection method: clinical testing. Allele origin: germline.
Comment: This sequence change replaces leucine, which is neutral and non-polar, with tryptophan, which is neutral and slightly polar, at codon 35029 of the TTN protein (p.Leu35029Trp). This variant is present in population databases (rs763437247, gnomAD 0.0009%). This variant has not been reported in the literature in individuals affected with TTN-related conditions. ClinVar contains an entry for this variant (Variation ID: 203091). Experimental studies and prediction algorithms are not available or were not evaluated, and the functional significance of this variant is currently unknown. This variant is located in the M band of TTN (PMID: 25589632). Non-truncating variants in this region may be relevant for neuromuscular disorders, but have not been definitively shown to cause cardiomyopathy (PMID: 23975875). In summary, the available evidence is currently insufficient to determine the role of this variant in disease. Therefore, it has been classified as a Variant of Uncertain Significance.

GeneDx
Classification: Uncertain significance. Last evaluated: 2024-05-07. Review status: criteria provided, single submitter. Criteria: GeneDx Variant Classification Process June 2021. Collection method: clinical testing. Allele origin: germline. Affected: yes.
Comment: Not observed at significant frequency in large population cohorts (gnomAD); Missense variant in a gene in which most reported pathogenic variants are truncating/loss of function; Has not been previously published as pathogenic or benign to our knowledge

Fulgent Genetics
Classification: Uncertain significance for Tibial muscular dystrophy; Myopathy, myofibrillar, 9, with early respiratory failure; Dilated cardiomyopathy 1G; Autosomal recessive limb-girdle muscular dystrophy type 2J; Early-onset myopathy with fatal cardiomyopathy; Hypertrophic cardiomyopathy 9. Last evaluated: 2021-08-09. Review status: criteria provided, single submitter. Criteria: ACMG Guidelines, 2015. Collection method: clinical testing. Allele origin: unknown.

Literature cited by the submitters: PubMed 25589632 (cited by Labcorp Genetics (formerly Invitae), Labcorp); PubMed 23975875 (cited by Labcorp Genetics (formerly Invitae), Labcorp).

NM_001267550.2(TTN):c.105086T>G (p.Leu35029Trp)

Genes: TTN-AS1 (TTN antisense RNA 1; plus strand), TTN (titin; minus strand). Cytogenetic location: 2q31.2.
Variant type: single nucleotide variant.
Coding change: c.105086T>G on transcript NM_001267550.2 (MANE Select); coding-DNA position 105086, T replaced by G.
Protein change: p.Leu35029Trp; replaces leucine 35029 with tryptophan.
Molecular consequence: missense variant.
Genome position (GRCh38, 1-based): chr2:178,531,529, A>C on the plus strand (T>G on the coding strand, the complement: TTN is on the minus strand). VCF-style: chr2-178531529-A-C. GRCh37 (hg19) VCF-style: chr2-179396256-A-C.
Other names: p.L33388W:TTG>TGG; c.105086T>G (NM_001267550.1); c.100163T>G, p.Leu33388Trp (NM_001256850.1); c.77891T>G, p.Leu25964Trp (NM_003319.4); c.97382T>G, p.Leu32461Trp (NM_133378.4); c.78266T>G, p.Leu26089Trp (NM_133432.3); c.78467T>G, p.Leu26156Trp (NM_133437.4); short protein forms L33388W, L35029W, L32461W, L25964W, L26089W, L26156W.
Identifiers: ClinVar variation 203091 (VCV000203091.6), dbSNP rs763437247, ClinGen allele CA311211.
Genomic context (GRCh38, chr2:178,531,529, plus strand): 5'-GGGACCTCTTCATCTCTGCGTTGGGAAGCATAGGTGGTATAATCCCCTCCTGTCACGTCC[A>C]ACGTTGCATAGTCAGAAGCTTCGCCCTTGTAGTTGGTGCACACAGCACGGTAGGTTCCAC-3'
Protein context (NP_001254479.2, residues 35019-35039): YKGEASDYAT[Leu35029Trp]DVTGGDYTTY